The following is an entry in ClinVar:

ClinVar aggregate classification (germline): Uncertain significance (1 of 4 stars; one submission).

Conditions:
Meckel-Gruber syndrome. Also called: Dysencephalia splachnocystica; DYSENCEPHALIA SPLANCHNOCYSTICA; GRUBER SYNDROME. Identifiers: Orphanet 564, MedGen C0265215, MONDO:0018921.
Joubert syndrome. Also called: Familial aplasia of the vermis; JOUBERT-BOLTSHAUSER SYNDROME. Identifiers: Orphanet 475, MedGen C5979921, MONDO:0018772.

Allele frequency attached by ClinVar (database versions not stated): ExAC below 0.00001; gnomAD exomes 0.00001.
gnomAD v4.1: 4 of 1,599,862 alleles (0.00025%); highest among the groups gnomAD compares: Non-Finnish European, 0.00034%; no homozygotes.

Submission:

Labcorp Genetics (formerly Invitae), Labcorp
Classification: Uncertain significance for Joubert syndrome; Meckel-Gruber syndrome. Last evaluated: 2024-05-07. Review status: criteria provided, single submitter. Criteria: Invitae Variant Classification Sherloc (09022015). Collection method: clinical testing. Allele origin: germline.
Comment: This sequence change replaces isoleucine, which is neutral and non-polar, with asparagine, which is neutral and polar, at codon 1006 of the CC2D2A protein (p.Ile1006Asn). This variant is not present in population databases (gnomAD no frequency). This variant has not been reported in the literature in individuals affected with CC2D2A-related conditions. ClinVar contains an entry for this variant (Variation ID: 941474). An algorithm developed to predict the effect of missense changes on protein structure and function (PolyPhen-2) suggests that this variant¬¨‚Ä†is likely to be tolerated. In summary, the available evidence is currently insufficient to determine the role of this variant in disease. Therefore, it has been classified as a Variant of Uncertain Significance.

NM_001378615.1(CC2D2A):c.3017T>A (p.Ile1006Asn)

Genes: CC2D2A (coiled-coil and C2 domain containing 2A; plus strand), FBXL5 (F-box and leucine rich repeat protein 5; minus strand). Cytogenetic location: 4p15.32.
Variant type: single nucleotide variant.
Coding change: c.3017T>A on transcript NM_001378615.1 (MANE Select); coding-DNA position 3017, T replaced by A.
Protein change: p.Ile1006Asn; replaces isoleucine 1006 with asparagine.
Molecular consequence: missense variant.
Genome position (GRCh38, 1-based): chr4:15,563,357, T>A. VCF-style: chr4-15563357-T-A. GRCh37 (hg19) VCF-style: chr4-15564980-T-A.
Other names: c.3017T>A, p.Ile1006Asn (NM_001080522.2); c.2870T>A, p.Ile957Asn (NM_001378617.1); short protein forms I1006N, I957N.
Identifiers: ClinVar variation 941474 (VCV000941474.9), dbSNP rs754619415, ClinGen allele CA2864066.